The following is an entry in ClinVar:

NM_031220.4(PITPNM3):c.2893C>T (p.Arg965Cys)

Gene: PITPNM3 (PITPNM family member 3; minus strand). Cytogenetic location: 17p13.2.
Variant type: single nucleotide variant.
Coding change: c.2893C>T on transcript NM_031220.4 (MANE Select); coding-DNA position 2893, C replaced by T.
Protein change: p.Arg965Cys; replaces arginine 965 with cysteine.
Molecular consequence: missense variant.
Genome position (GRCh38, 1-based): chr17:6,455,370, G>A on the plus strand (C>T on the coding strand, the complement: PITPNM3 is on the minus strand). VCF-style: chr17-6455370-G-A. GRCh37 (hg19) VCF-style: chr17-6358690-G-A.
Other names: c.2785C>T, p.Arg929Cys (NM_001165966.2); short protein forms R929C, R965C.
Identifiers: ClinVar variation 3647436 (VCV003647436.2).

ClinVar aggregate classification (germline): Uncertain significance (1 of 4 stars; one submission).

gnomAD v4.1: 1 of 1,585,794 alleles (0.000063%); no homozygotes.

Submission:

Labcorp Genetics (formerly Invitae), Labcorp
Classification: Uncertain significance. Last evaluated: 2024-03-24. Review status: criteria provided, single submitter. Criteria: Invitae Variant Classification Sherloc (09022015). Collection method: clinical testing. Allele origin: germline.
Comment: This sequence change replaces arginine, which is basic and polar, with cysteine, which is neutral and slightly polar, at codon 965 of the PITPNM3 protein (p.Arg965Cys). This variant is not present in population databases (gnomAD no frequency). This variant has not been reported in the literature in individuals affected with PITPNM3-related conditions. An algorithm developed to predict the effect of missense changes on protein structure and function (PolyPhen-2) suggests that this variant is likely to be disruptive. In summary, the available evidence is currently insufficient to determine the role of this variant in disease. Therefore, it has been classified as a Variant of Uncertain Significance.